The following is an entry in ClinVar:

ClinVar aggregate classification (germline): Likely pathogenic. Review status: criteria provided, multiple submitters, no conflicts (2 of 4 stars). 2 submissions from 2 submitters: Likely pathogenic (2). Last evaluated 2024-04-19.

Conditions:
Primary hyperoxaluria type 3. Also called: PH III. Identifiers: Orphanet 416, Orphanet 93600, MedGen C3150878, MONDO:0013327, OMIM 613616. Disease mechanism: loss of function.

gnomAD v4.1: 1 of 1,613,874 alleles (0.000062%); highest among the groups gnomAD compares: South Asian, 0.0011%; no homozygotes.

Submissions (2):

Fulgent Genetics
Classification: Likely pathogenic for Primary hyperoxaluria type 3. Last evaluated: 2024-04-19. Review status: criteria provided, single submitter. Criteria: ACMG Guidelines, 2015. Collection method: clinical testing. Allele origin: germline.

Labcorp Genetics (formerly Invitae), Labcorp
Classification: Likely pathogenic. Last evaluated: 2020-08-27. Review status: criteria provided, single submitter. Criteria: Invitae Variant Classification Sherloc (09022015). Collection method: clinical testing. Allele origin: germline.
Comment: This sequence change affects a donor splice site in intron 2 of the HOGA1 gene. It is expected to disrupt RNA splicing and likely results in an absent or disrupted protein product. This variant is not present in population databases (ExAC no frequency). This variant has not been reported in the literature in individuals with HOGA1-related conditions. Algorithms developed to predict the effect of sequence changes on RNA splicing suggest that this variant may disrupt the consensus splice site, but this prediction has not been confirmed by published transcriptional studies. Donor and acceptor splice site variants typically lead to a loss of protein function (PMID: 16199547), and loss-of-function variants in HOGA1 are known to be pathogenic (PMID: 22391140, 22781098). In summary, the currently available evidence indicates that the variant is pathogenic, but additional data are needed to prove that conclusively. Therefore, this variant has been classified as Likely Pathogenic.

Literature cited by the submitters: PubMed 16199547 (cited by Labcorp Genetics (formerly Invitae), Labcorp); PubMed 22391140 (cited by Labcorp Genetics (formerly Invitae), Labcorp); PubMed 22781098 (cited by Labcorp Genetics (formerly Invitae), Labcorp).

NM_138413.4(HOGA1):c.340+1G>C

Gene: HOGA1 (4-hydroxy-2-oxoglutarate aldolase 1; plus strand). Cytogenetic location: 10q24.2.
Variant type: single nucleotide variant.
Coding change: c.340+1G>C on transcript NM_138413.4 (MANE Select); the canonical splice donor site of the intron after coding-DNA position 340, G replaced by C.
Molecular consequence: splice donor variant. On other transcripts: intron variant (1).
Genome position (GRCh38, 1-based): chr10:97,598,904, G>C. VCF-style: chr10-97598904-G-C. GRCh37 (hg19) VCF-style: chr10-99358661-G-C.
Other names: c.212-2953G>C (NM_001134670.2).
Identifiers: ClinVar variation 1067369 (VCV001067369.8), dbSNP rs759407659, ClinGen allele CA377977141.